The following is an entry in ClinVar:

NM_002296.4(LBR):c.1678C>T (p.Leu560Phe)

Gene: LBR (lamin B receptor; minus strand). Cytogenetic location: 1q42.12.
Variant type: single nucleotide variant.
Coding change: c.1678C>T on transcript NM_002296.4 (MANE Select); coding-DNA position 1678, C replaced by T.
Protein change: p.Leu560Phe; replaces leucine 560 with phenylalanine.
Molecular consequence: missense variant.
Genome position (GRCh38, 1-based): chr1:225,404,413, G>A on the plus strand (C>T on the coding strand, the complement: LBR is on the minus strand). VCF-style: chr1-225404413-G-A. GRCh37 (hg19) VCF-style: chr1-225592115-G-A.
Other names: c.1678C>T, p.Leu560Phe (NM_194442.3); short protein forms L560F.
Identifiers: ClinVar variation 2816518 (VCV002816518.3), dbSNP rs2527771081, ClinGen allele CA344992794.

ClinVar aggregate classification (germline): Uncertain significance (1 of 4 stars; one submission).

Submission:

Labcorp Genetics (formerly Invitae), Labcorp
Classification: Uncertain significance. Last evaluated: 2022-11-24. Review status: criteria provided, single submitter. Criteria: Invitae Variant Classification Sherloc (09022015). Collection method: clinical testing. Allele origin: germline.
Comment: This sequence change replaces leucine, which is neutral and non-polar, with phenylalanine, which is neutral and non-polar, at codon 560 of the LBR protein (p.Leu560Phe). This variant is not present in population databases (gnomAD no frequency). In summary, the available evidence is currently insufficient to determine the role of this variant in disease. Therefore, it has been classified as a Variant of Uncertain Significance. Advanced modeling of protein sequence and biophysical properties (such as structural, functional, and spatial information, amino acid conservation, physicochemical variation, residue mobility, and thermodynamic stability) performed at Invitae indicates that this missense variant is expected to disrupt LBR protein function. This variant has not been reported in the literature in individuals affected with LBR-related conditions.